The following is an entry in ClinVar:

ClinVar aggregate classification (germline): Benign/Likely benign. Review status: criteria provided, multiple submitters, no conflicts (2 of 4 stars). 3 submissions from 3 submitters: Benign (1); Likely benign (1). 1 of the submissions does not count toward it. Last evaluated 2026-01-18.

Conditions:
NANS-related disorder. Also called: NANS-related condition.

Allele frequency attached by ClinVar (database versions not stated): ESP Exome Variant Server 0.00138; gnomAD exomes 0.00148 and 0.00242; ExAC 0.00157; 1000 Genomes Project 0.00040; 1000 Genomes Project 30x 0.00062; TOPMed 0.00114; gnomAD 0.00131 and 0.00136.
gnomAD v4.1: 3,666 of 1,608,290 alleles (0.23%); highest among the groups gnomAD compares: Non-Finnish European, 0.28%; 7 homozygotes.

Submissions (10):

Labcorp Genetics (formerly Invitae), Labcorp
Classification: Benign. Last evaluated: 2026-01-18. Review status: criteria provided, single submitter. Criteria: Invitae Variant Classification Sherloc (09022015). Collection method: clinical testing. Allele origin: germline.

CeGaT Center for Human Genetics Tuebingen
Classification: Likely benign. Last evaluated: 2024-02-01. Review status: criteria provided, single submitter. Criteria: CeGaT Center For Human Genetics Tuebingen Variant Classification Criteria Version 2. Collection method: clinical testing. Allele origin: germline. Affected: yes. Observed: 2 variant alleles.
Comment: NANS: BS2

PreventionGenetics, part of Exact Sciences
Classification: Likely benign for NANS-related condition. Last evaluated: 2022-03-18. Review status: no assertion criteria provided. Collection method: clinical testing. Allele origin: germline. Not counted in ClinVar's aggregate classification.
Comment: This variant is classified as likely benign based on ACMG/AMP sequence variant interpretation guidelines (Richards et al. 2015 PMID: 25741868, with internal and published modifications).

Dr. Peter K. Rogan Lab, Western University
No classification provided (evidence only). Condition: Clear cell carcinoma of kidney. Review status: no classification provided. Collection method: in vitro. Allele origin: not applicable. Functional consequence: retained intron. Not counted in ClinVar's aggregate classification.

Dr. Peter K. Rogan Lab, Western University
No classification provided (evidence only). Condition: Thyroid cancer, nonmedullary, 1. Review status: no classification provided. Collection method: in vitro. Allele origin: not applicable. Functional consequence: retained intron. Not counted in ClinVar's aggregate classification.

Dr. Peter K. Rogan Lab, Western University
No classification provided (evidence only). Condition: Cervical cancer. Review status: no classification provided. Collection method: in vitro. Allele origin: not applicable. Functional consequence: retained intron. Not counted in ClinVar's aggregate classification.

Dr. Peter K. Rogan Lab, Western University
No classification provided (evidence only). Condition: Sarcoma. Review status: no classification provided. Collection method: in vitro. Allele origin: not applicable. Functional consequence: skipped exon, retained intron. Not counted in ClinVar's aggregate classification.

Dr. Peter K. Rogan Lab, Western University
No classification provided (evidence only). Condition: Sarcoma. Review status: no classification provided. Collection method: in vitro. Allele origin: not applicable. Functional consequence: retained intron. Not counted in ClinVar's aggregate classification.

Dr. Peter K. Rogan Lab, Western University
No classification provided (evidence only). Condition: Thymoma. Review status: no classification provided. Collection method: in vitro. Allele origin: not applicable. Functional consequence: retained intron. Not counted in ClinVar's aggregate classification.

Dr. Peter K. Rogan Lab, Western University
No classification provided (evidence only). Condition: Ovarian serous cystadenocarcinoma. Review status: no classification provided. Collection method: in vitro. Allele origin: not applicable. Functional consequence: retained intron. Not counted in ClinVar's aggregate classification.

NM_018946.4(NANS):c.351G>A (p.Met117Ile)

Genes: NANS (N-acetylneuraminate synthase; plus strand), TRIM14 (tripartite motif containing 14; minus strand). Cytogenetic location: 9q22.33.
Variant type: single nucleotide variant.
Coding change: c.351G>A on transcript NM_018946.4 (MANE Select); coding-DNA position 351, G replaced by A.
Protein change: p.Met117Ile; replaces methionine 117 with isoleucine.
Molecular consequence: missense variant.
Genome position (GRCh38, 1-based): chr9:98,076,920, G>A. VCF-style: chr9-98076920-G-A. GRCh37 (hg19) VCF-style: chr9-100839202-G-A.
Other names: short protein forms M117I.
Identifiers: ClinVar variation 734153 (VCV000734153.34), dbSNP rs143387431, ClinGen allele CA5150262.